The following is an entry in ClinVar:

NM_001130009.3(GEN1):c.2522G>A (p.Ser841Asn)

Gene: GEN1 (GEN1 Holliday junction 5' flap endonuclease; plus strand). Cytogenetic location: 2p24.2.
Variant type: single nucleotide variant.
Coding change: c.2522G>A on transcript NM_001130009.3 (MANE Select); coding-DNA position 2522, G replaced by A.
Protein change: p.Ser841Asn; replaces serine 841 with asparagine.
Molecular consequence: missense variant.
Genome position (GRCh38, 1-based): chr2:17,781,734, G>A. VCF-style: chr2-17781734-G-A. GRCh37 (hg19) VCF-style: chr2-17963001-G-A.
Other names: c.2522G>A, p.Ser841Asn (NM_182625.5); short protein forms S841N.
Identifiers: ClinVar variation 3519748 (VCV003519748.1).

ClinVar aggregate classification (germline): Uncertain significance (1 of 4 stars; one submission).

Submission:

Ambry Genetics
Classification: Uncertain significance. Last evaluated: 2024-11-26. Review status: criteria provided, single submitter. Criteria: Ambry Variant Classification Scheme 2023. Collection method: clinical testing. Allele origin: germline.
Comment: The p.S841N variant (also known as c.2522G>A), located in coding exon 13 of the GEN1 gene, results from a G to A substitution at nucleotide position 2522. The serine at codon 841 is replaced by asparagine, an amino acid with highly similar properties. This amino acid position is conserved. In addition, this alteration is predicted to be tolerated by in silico analysis. Based on the available evidence, the clinical significance of this variant remains unclear.